The following is an entry in ClinVar:

ClinVar aggregate classification (germline): Uncertain significance (1 of 4 stars; one submission).

Conditions:
Dilated cardiomyopathy 1KK (CMD1KK). Identifiers: Orphanet 154, Orphanet 75249, MedGen C3714995, MONDO:0014100, OMIM 615248.

Allele frequency attached by ClinVar (database versions not stated): gnomAD exomes 0.00001.
gnomAD v4.1: 11 of 1,613,996 alleles (0.00068%); highest among the groups gnomAD compares: Non-Finnish European, 0.00085%; no homozygotes.

Submission:

Labcorp Genetics (formerly Invitae), Labcorp
Classification: Uncertain significance for Dilated cardiomyopathy 1KK. Last evaluated: 2023-01-13. Review status: criteria provided, single submitter. Criteria: Invitae Variant Classification Sherloc (09022015). Collection method: clinical testing. Allele origin: germline.
Comment: Algorithms developed to predict the effect of missense changes on protein structure and function (SIFT, PolyPhen-2, Align-GVGD) all suggest that this variant is likely to be tolerated. This sequence change replaces glycine, which is neutral and non-polar, with arginine, which is basic and polar, at codon 788 of the MYPN protein (p.Gly788Arg). This variant is not present in population databases (gnomAD no frequency). This variant has not been reported in the literature in individuals affected with MYPN-related conditions. ClinVar contains an entry for this variant (Variation ID: 945712). In summary, the available evidence is currently insufficient to determine the role of this variant in disease. Therefore, it has been classified as a Variant of Uncertain Significance.

NM_032578.4(MYPN):c.2362G>C (p.Gly788Arg)

Gene: MYPN (myopalladin; plus strand). Cytogenetic location: 10q21.3.
Variant type: single nucleotide variant.
Coding change: c.2362G>C on transcript NM_032578.4 (MANE Select); coding-DNA position 2362, G replaced by C.
Protein change: p.Gly788Arg; replaces glycine 788 with arginine.
Molecular consequence: missense variant. On other transcripts: non-coding transcript variant (2).
Genome position (GRCh38, 1-based): chr10:68,174,454, G>C. VCF-style: chr10-68174454-G-C. GRCh37 (hg19) VCF-style: chr10-69934211-G-C.
Other names: c.2362G>C, p.Gly788Arg (NM_001256267.2); c.1480G>C, p.Gly494Arg (NM_001256268.2); short protein forms G494R, G788R.
Identifiers: ClinVar variation 945712 (VCV000945712.9), dbSNP rs2043194185, ClinGen allele CA376846796.
Genomic context (GRCh38, chr10:68,174,454, plus strand): 5'-CCCTCTGTGCAAACCAAATCTCCAGGAGGGCTTTCCATCCAAAATGAGCCACTCCCACCA[G>C]GCCCAACAGAACCAACACCACCACCATTCACATTTTCCATCCCCAGCGGAAACCAGTTTC-3'
Protein context (NP_115967.2, residues 778-798): LSIQNEPLPP[Gly788Arg]PTEPTPPPFT